The following is an entry in ClinVar:

NM_000494.4(COL17A1):c.3800dup (p.Gly1268fs)

Gene: COL17A1 (collagen type XVII alpha 1 chain; minus strand). Cytogenetic location: 10q25.1.
Variant type: Duplication.
Coding change: c.3800dup on transcript NM_000494.4 (MANE Select); coding-DNA position 3800, one base duplicated (C; older notation c.3800dupC).
Protein change: p.Gly1268fs; shifts the reading frame from glycine 1268.
Molecular consequence: frameshift variant.
Genome position (GRCh38, 1-based): chr10:104,034,301, G duplicated on the plus strand (C on the coding strand, the reverse complement: COL17A1 is on the minus strand); the first of 6 consecutive G bases (chr10:104,034,301-104,034,306); duplicating any one gives the same sequence. VCF-style (leftmost placement, unchanged base first): chr10-104034300-T-TG. GRCh37 (hg19) VCF-style: chr10-105794058-T-TG.
Other names: c.3800dupC (NM_000494.3); short protein forms G1268fs.
Identifiers: ClinVar variation 2735480 (VCV002735480.4), dbSNP rs756973019, ClinGen allele CA5677800.

ClinVar aggregate classification (germline): Pathogenic. Review status: criteria provided, multiple submitters, no conflicts (2 of 4 stars). 3 submissions from 3 submitters: Pathogenic (3). Last evaluated 2026-05-22.

Conditions:
COL17A1-related disorders.
COL17A1-related disorder. Also called: COL17A1-related condition.

Submissions (3):

PreventionGenetics, part of Exact Sciences
Classification: Pathogenic for COL17A1-related condition. Last evaluated: 2026-05-22. Review status: criteria provided, single submitter. Criteria: ACMG Guidelines, 2015. Collection method: clinical testing. Allele origin: germline.
Comment: The COL17A1 c.3800dupC variant is predicted to result in a frameshift and premature protein termination (p.Gly1268Argfs*25). This variant has been reported in individuals with autosomal recessive junctional epidermolysis bullosa (Described as 3801insC in Table A, Varki et al. 2006. PubMed ID: 16473856; Described as c.3801insC in Table S2, Chen et al. 2022. PubMed ID: 36287101). This variant is reported in 0.048% of alleles in individuals of European (Finnish) descent in gnomAD. Frameshift variants in COL17A1 are expected to be pathogenic. This variant is interpreted as pathogenic.

Labcorp Genetics (formerly Invitae), Labcorp
Classification: Pathogenic. Last evaluated: 2023-10-15. Review status: criteria provided, single submitter. Criteria: Invitae Variant Classification Sherloc (09022015). Collection method: clinical testing. Allele origin: germline.
Comment: This sequence change creates a premature translational stop signal (p.Gly1268Argfs*25) in the COL17A1 gene. It is expected to result in an absent or disrupted protein product. Loss-of-function variants in COL17A1 are known to be pathogenic (PMID: 16473856, 17344927, 20301304, 21357940, 24319098). This variant is present in population databases (rs756973019, gnomAD 0.05%). This premature translational stop signal has been observed in individual(s) with autosomal recessive junctional epidermolysis bullosa (PMID: 16473856). For these reasons, this variant has been classified as Pathogenic.

Blueprint Genetics
Classification: Pathogenic for COL17A1-related disorders. Last evaluated: 2022-09-20. Review status: criteria provided, single submitter. Criteria: ACMG Guidelines, 2015. Collection method: clinical testing. Allele origin: germline. Affected: yes. Observed: 5 variant alleles.

Literature cited by the submitters: PubMed 16473856 (cited by Labcorp Genetics (formerly Invitae), Labcorp); PubMed 17344927 (cited by Labcorp Genetics (formerly Invitae), Labcorp); PubMed 20301304 (cited by Labcorp Genetics (formerly Invitae), Labcorp); PubMed 21357940 (cited by Labcorp Genetics (formerly Invitae), Labcorp); PubMed 24319098 (cited by Labcorp Genetics (formerly Invitae), Labcorp).